The following is an entry in ClinVar:

NM_001271.4(CHD2):c.2134A>G (p.Lys712Glu)

Gene: CHD2 (chromodomain helicase DNA binding protein 2; plus strand). Cytogenetic location: 15q26.1.
Variant type: single nucleotide variant.
Coding change: c.2134A>G on transcript NM_001271.4 (MANE Select); coding-DNA position 2134, A replaced by G.
Protein change: p.Lys712Glu; replaces lysine 712 with glutamic acid.
Molecular consequence: missense variant.
Genome position (GRCh38, 1-based): chr15:92,967,458, A>G. VCF-style: chr15-92967458-A-G. GRCh37 (hg19) VCF-style: chr15-93510688-A-G.
Other names: short protein forms K712E.
Identifiers: ClinVar variation 2866522 (VCV002866522.3), dbSNP rs2505515903, ClinGen allele CA393907291.

ClinVar aggregate classification (germline): Pathogenic (1 of 4 stars; one submission).

Conditions:
Developmental and epileptic encephalopathy 94 (DEE94). Also called: CHD2-Related Neurodevelopmental Disorders; Epileptic encephalopathy, childhood-onset. Identifiers: Orphanet 1942, Orphanet 2382, MedGen C3809278, MONDO:0014150, OMIM 615369.

Submission:

Labcorp Genetics (formerly Invitae), Labcorp
Classification: Pathogenic for Developmental and epileptic encephalopathy 94. Last evaluated: 2023-10-16. Review status: criteria provided, single submitter. Criteria: Invitae Variant Classification Sherloc (09022015). Collection method: clinical testing. Allele origin: germline.
Comment: This sequence change replaces lysine, which is basic and polar, with glutamic acid, which is acidic and polar, at codon 712 of the CHD2 protein (p.Lys712Glu). This variant is not present in population databases (gnomAD no frequency). This missense change has been observed in individual(s) with clinical features of CHD2-related conditions (Invitae). In at least one individual the variant was observed to be de novo. Advanced modeling of protein sequence and biophysical properties (such as structural, functional, and spatial information, amino acid conservation, physicochemical variation, residue mobility, and thermodynamic stability) performed at Invitae indicates that this missense variant is expected to disrupt CHD2 protein function. For these reasons, this variant has been classified as Pathogenic.